The following is an entry in ClinVar:

NM_001164508.2(NEB):c.19207-12T>C

Gene: NEB (nebulin; minus strand). Cytogenetic location: 2q23.3.
Variant type: single nucleotide variant.
Coding change: c.19207-12T>C on transcript NM_001164508.2 (MANE Select); 12 bases into the intron before coding-DNA position 19207, T replaced by C.
Molecular consequence: intron variant.
Genome position (GRCh38, 1-based): chr2:151,560,711, A>G on the plus strand (T>C on the coding strand, the complement: NEB is on the minus strand). VCF-style: chr2-151560711-A-G. GRCh37 (hg19) VCF-style: chr2-152417225-A-G.
Other names: c.14104-12T>C (NM_004543.5); c.19207-12T>C (NM_001164507.2, NM_001271208.2).
Identifiers: ClinVar variation 4748742 (VCV004748742.1).
Genomic context (GRCh38, chr2:151,560,711, plus strand): 5'-GGATGTAGCTGGTGGCTTTCACTCTATCCCAGGCCTCCTTGTACAGGTTCTGCAGGAATT[A>G]AAGACCTTCTTGTGAATATGGGAAAATGCATCTGGTTAGCTTCTGAGTAGCAGGTTTTCC-3'

ClinVar aggregate classification (germline): Uncertain significance (1 of 4 stars; one submission).

Conditions:
Nemaline myopathy 2 (NEM2). Also called: Nemaline myopathy 2, autosomal recessive. Identifiers: MedGen C1850569, MONDO:0009725, OMIM 256030.

gnomAD v4.1: 4 of 1,591,128 alleles (0.00025%); highest among the groups gnomAD compares: Admixed American, 0.0068%; no homozygotes.

Submission:

Labcorp Genetics (formerly Invitae), Labcorp
Classification: Uncertain significance for Nemaline myopathy 2. Last evaluated: 2026-01-19. Review status: criteria provided, single submitter. Criteria: Invitae Variant Classification Sherloc (09022015). Collection method: clinical testing. Allele origin: germline.
Comment: This sequence change falls in intron 123 of the NEB gene. It does not directly change the encoded amino acid sequence of the NEB protein. The frequency data for this variant in the population databases is considered unreliable, as metrics indicate poor data quality at this position in the gnomAD database. This variant has not been reported in the literature in individuals affected with NEB-related conditions. Algorithms developed to predict the effect of sequence changes on RNA splicing suggest that this variant may create or strengthen a splice site. In summary, the available evidence is currently insufficient to determine the role of this variant in disease. Therefore, it has been classified as a Variant of Uncertain Significance.